The following is an entry in ClinVar:

NM_005035.4(POLRMT):c.3382G>T (p.Asp1128Tyr)

Gene: POLRMT (RNA polymerase mitochondrial; minus strand). Cytogenetic location: 19p13.3.
Variant type: single nucleotide variant.
Coding change: c.3382G>T on transcript NM_005035.4 (MANE Select); coding-DNA position 3382, G replaced by T.
Protein change: p.Asp1128Tyr; replaces aspartic acid 1128 with tyrosine.
Molecular consequence: missense variant. On other transcripts: non-coding transcript variant (1), intron variant (2).
Genome position (GRCh38, 1-based): chr19:618,528, C>A on the plus strand (G>T on the coding strand, the complement: POLRMT is on the minus strand). VCF-style: chr19-618528-C-A. GRCh37 (hg19) VCF-style: chr19-618528-C-A.
Other names: c.3157G>T, p.Asp1053Tyr (NM_001407830.1); c.3058G>T, p.Asp1020Tyr (NM_001407831.1, NM_001407833.1); c.3049G>T, p.Asp1017Tyr (NM_001407834.1); c.3019G>T, p.Asp1007Tyr (NM_001407835.1); c.2980G>T, p.Asp994Tyr (NM_001407836.1); c.3098+177G>T (NM_001407832.1); c.3323+177G>T (NM_001407816.1); c.3382G>T, p.Asp1128Tyr (NM_001407805.1); and 7 more; short protein forms D1007Y, D1017Y, D1020Y, D1053Y, D1087Y, D1102Y, D1114Y, D1115Y.
Identifiers: ClinVar variation 4880911 (VCV004880911.2).

ClinVar aggregate classification (germline): Uncertain significance (1 of 4 stars; one submission).

Submission:

Dasa
Classification: Uncertain significance. Last evaluated: 2025-01-03. Review status: criteria provided, single submitter. Criteria: DASA Assertion Criteria. Collection method: clinical testing. Allele origin: germline.
Comment: NM_005035.4(POLRMT):c.3382G>T (p.Asp1128Tyr) is a missense variant that results in the substitution of aspartic acid with tyrosine. This variant is absent from population databases. Computational prediction algorithms are consistent with a deleterious effect. The currently available literature and clinical evidence are not sufficient to establish a definitive association between this variant and the reported condition. Therefore, this variant is classified as a variant of uncertain significance.